The following is an entry in ClinVar:

NM_203446.3(SYNJ1):c.1066C>T (p.Gln356Ter)

Gene: SYNJ1 (synaptojanin 1; minus strand). Cytogenetic location: 21q22.11.
Variant type: single nucleotide variant.
Coding change: c.1066C>T on transcript NM_203446.3 (MANE Select); coding-DNA position 1066, C replaced by T.
Protein change: p.Gln356Ter; replaces glutamine 356 with a stop codon.
Molecular consequence: nonsense.
Genome position (GRCh38, 1-based): chr21:32,685,800, G>A on the plus strand (C>T on the coding strand, the complement: SYNJ1 is on the minus strand). VCF-style: chr21-32685800-G-A. GRCh37 (hg19) VCF-style: chr21-34058110-G-A.
Other names: c.1066C>T, p.Gln356Ter (NM_001160302.2, NM_001160306.2); c.1183C>T, p.Gln395Ter (NM_003895.4); short protein forms Q395*, Q356*.
Identifiers: ClinVar variation 2062038 (VCV002062038.4), dbSNP rs2516760115, ClinGen allele CA410092438.

ClinVar aggregate classification (germline): Pathogenic (1 of 4 stars; one submission).

Conditions:
Developmental and epileptic encephalopathy, 53. Also called: Epileptic encephalopathy, early infantile, 53. Identifiers: MedGen C4479313, MONDO:0033362, OMIM 617389.
Early-onset Parkinson disease 20. Also called: PARKINSON DISEASE 20, AUTOSOMAL RECESSIVE EARLY-ONSET. Identifiers: Orphanet 391411, MedGen C3809824, MONDO:0014233, OMIM 615530.

Submission:

Labcorp Genetics (formerly Invitae), Labcorp
Classification: Pathogenic for Developmental and epileptic encephalopathy, 53; Early-onset Parkinson disease 20. Last evaluated: 2022-05-16. Review status: criteria provided, single submitter. Criteria: Invitae Variant Classification Sherloc (09022015). Collection method: clinical testing. Allele origin: germline.
Comment: This variant is not present in population databases (gnomAD no frequency). This variant has not been reported in the literature in individuals affected with SYNJ1-related conditions. For these reasons, this variant has been classified as Pathogenic. This sequence change creates a premature translational stop signal (p.Gln395*) in the SYNJ1 gene. It is expected to result in an absent or disrupted protein product. Loss-of-function variants in SYNJ1 are known to be pathogenic (PMID: 25316601, 27435091).

Literature cited by the submitters: PubMed 25316601; PubMed 27435091.